The following is an entry in ClinVar:

ClinVar aggregate classification (germline): Benign. Review status: criteria provided, multiple submitters, no conflicts (2 of 4 stars). 3 submissions from 3 submitters: Benign (3). Last evaluated 2026-01-20.

Allele frequency attached by ClinVar (database versions not stated): ESP Exome Variant Server 0.00704; gnomAD 0.00715 and 0.00753; gnomAD exomes 0.00077 and 0.00176; TOPMed 0.00762; 1000 Genomes Project 30x 0.01015; ExAC 0.00195; 1000 Genomes Project 0.00919.
gnomAD v4.1: 2,277 of 1,613,902 alleles (0.14%); highest among the groups gnomAD compares: African/African-American, 2.5%; 24 homozygotes.

Submissions (3):

Labcorp Genetics (formerly Invitae), Labcorp
Classification: Benign. Last evaluated: 2026-01-20. Review status: criteria provided, single submitter. Criteria: Invitae Variant Classification Sherloc (09022015). Collection method: clinical testing. Allele origin: germline.

Mayo Clinic Laboratories, Mayo Clinic
Classification: Benign. Last evaluated: 2023-11-01. Review status: criteria provided, single submitter. Criteria: ACMG Guidelines, 2015. Collection method: clinical testing. Allele origin: germline. Observed: 2 variant alleles.
Comment: BA1, BP4, BP7

Genetic Services Laboratory, University of Chicago
Classification: Benign. Last evaluated: 2017-09-01. Review status: criteria provided, single submitter. Criteria: ACMG Guidelines, 2015. Collection method: clinical testing. Allele origin: germline. Affected: no.

NM_001368882.1(COL13A1):c.685-1162T>C

Gene: COL13A1 (collagen type XIII alpha 1 chain; plus strand). Cytogenetic location: 10q22.1.
Variant type: single nucleotide variant.
Coding change: c.685-1162T>C on transcript NM_001368882.1 (MANE Select); 1162 bases into the intron before coding-DNA position 685, T replaced by C.
Molecular consequence: intron variant.
Genome position (GRCh38, 1-based): chr10:69,897,535, T>C. VCF-style: chr10-69897535-T-C. GRCh37 (hg19) VCF-style: chr10-71657291-T-C.
Other names: p.?; c.685-1162T>C (NM_001320951.2, NM_001368884.1); c.714+4T>C (NM_001130103.2, NM_080801.4, NM_080802.4); c.658-1162T>C (NM_080800.4); c.85-1162T>C (NM_001368886.1); c.649-1162T>C (NM_001368883.1, NM_001368885.1); c.627+4T>C (NM_080805.4); c.571-1162T>C (NM_001368897.1); and 2 more.
Identifiers: ClinVar variation 768370 (VCV000768370.14), dbSNP rs147026259, ClinGen allele CA5534389.